The following is an entry in ClinVar:

NM_152499.4(CCDC24):c.291C>T (p.Ile97=)

Gene: CCDC24 (coiled-coil domain containing 24; plus strand). Cytogenetic location: 1p34.1.
Variant type: single nucleotide variant.
Coding change: c.291C>T on transcript NM_152499.4 (MANE Select); coding-DNA position 291, C replaced by T.
Protein change: p.Ile97=; no amino-acid change (isoleucine 97 retained).
Molecular consequence: synonymous variant. On other transcripts: intron variant (1).
Genome position (GRCh38, 1-based): chr1:43,992,376, C>T. VCF-style: chr1-43992376-C-T. GRCh37 (hg19) VCF-style: chr1-44458048-C-T.
Other names: c.291C>T, p.Ile97= (NM_001349127.2, NM_001349128.1); c.-97-147C>T (NM_001349129.1).
Identifiers: ClinVar variation 2638764 (VCV002638764.24), dbSNP rs74657675, ClinGen allele CA817004.

ClinVar aggregate classification (germline): Likely benign (1 of 4 stars; one submission).

Allele frequency attached by ClinVar (database versions not stated): 1000 Genomes Project 30x 0.00187; 1000 Genomes Project 0.00200; TOPMed 0.00362; gnomAD 0.00396; ExAC 0.00409; ESP Exome Variant Server 0.00554; gnomAD exomes 0.00580.

Submission:

CeGaT Center for Human Genetics Tuebingen
Classification: Likely benign. Last evaluated: 2023-02-01. Review status: criteria provided, single submitter. Criteria: CeGaT Center For Human Genetics Tuebingen Variant Classification Criteria Version 2. Collection method: clinical testing. Allele origin: germline. Affected: yes. Observed: 1 variant allele.
Comment: CCDC24: BS2